The following is an entry in ClinVar:

ClinVar aggregate classification (germline): Likely pathogenic (1 of 4 stars; one submission).

Conditions:
Osteogenesis imperfecta type I (OI1). Also called: Lobstein disease; OI, TYPE I; OSTEOGENESIS IMPERFECTA TARDA; OSTEOGENESIS IMPERFECTA WITH BLUE SCLERAE; Osteogenesis imperfecta type 1; Lobstein's Disease. Identifiers: Orphanet 216796, Orphanet 666, MedGen C0023931, MONDO:0008146, OMIM 166200. Disease mechanism: loss of function.
Ehlers-Danlos syndrome, classic type, 1 (EDSCL1). Also called: EDS I; EHLERS-DANLOS SYNDROME, GRAVIS TYPE; EHLERS-DANLOS SYNDROME, SEVERE CLASSIC TYPE; Ehlers-Danlos syndrome, type 1; Ehlers-Danlos Syndrome, Classic Type, COL5A1-Related. Identifiers: MedGen C0268335, MONDO:0019567, OMIM 130000.

Submission:

Labcorp Genetics (formerly Invitae), Labcorp
Classification: Likely pathogenic for Osteogenesis imperfecta type I; Ehlers-Danlos syndrome, classic type, 1. Last evaluated: 2023-08-07. Review status: criteria provided, single submitter. Criteria: Invitae Variant Classification Sherloc (09022015). Collection method: clinical testing. Allele origin: germline.
Comment: In summary, the currently available evidence indicates that the variant is pathogenic, but additional data are needed to prove that conclusively. Therefore, this variant has been classified as Likely Pathogenic. This variant disrupts the p.Gly109 amino acid residue in COL1A2. Other variant(s) that disrupt this residue have been observed in individuals with COL1A2-related conditions (PMID: 23692737, 27510842), which suggests that this may be a clinically significant amino acid residue. This variant disrupts the triple helix domain of COL1A2. Glycine residues within the Gly-Xaa-Yaa repeats of the triple helix domain are required for the structure and stability of fibrillar collagens (PMID: 7695699, 8218237, 19344236). In COL1A2, variants affecting these glycine residues are significantly enriched in individuals with disease (PMID: 9016532, 17078022) compared to the general population (ExAC). Experimental studies and prediction algorithms are not available or were not evaluated, and the functional significance of this variant is currently unknown. This missense change has been observed in individual(s) with autosomal dominant osteogenesis imperfecta (Invitae). This variant is not present in population databases (gnomAD no frequency). This sequence change replaces glycine, which is neutral and non-polar, with arginine, which is basic and polar, at codon 109 of the COL1A2 protein (p.Gly109Arg).

Literature cited by the submitters: PubMed 23692737; PubMed 27510842; PubMed 7695699; PubMed 8218237; PubMed 19344236; PubMed 9016532; PubMed 17078022.

NM_000089.4(COL1A2):c.325G>C (p.Gly109Arg)

Gene: COL1A2 (collagen type I alpha 2 chain; plus strand). Cytogenetic location: 7q21.3.
Variant type: single nucleotide variant.
Coding change: c.325G>C on transcript NM_000089.4 (MANE Select); coding-DNA position 325, G replaced by C.
Protein change: p.Gly109Arg; replaces glycine 109 with arginine.
Molecular consequence: missense variant.
Genome position (GRCh38, 1-based): chr7:94,404,693, G>C. VCF-style: chr7-94404693-G-C. GRCh37 (hg19) VCF-style: chr7-94034005-G-C.
Other names: short protein forms G109R.
Identifiers: ClinVar variation 2950794 (VCV002950794.3), dbSNP rs2484699831, ClinGen allele CA368219520.